The following is an entry in ClinVar:

NM_054012.4(ASS1):c.919C>A (p.Arg307Ser)

Gene: ASS1 (argininosuccinate synthase 1; plus strand). Cytogenetic location: 9q34.11.
Variant type: single nucleotide variant.
Coding change: c.919C>A on transcript NM_054012.4 (MANE Select); coding-DNA position 919, C replaced by A.
Protein change: p.Arg307Ser; replaces arginine 307 with serine.
Molecular consequence: missense variant.
Genome position (GRCh38, 1-based): chr9:130,489,413, C>A. VCF-style: chr9-130489413-C-A. GRCh37 (hg19) VCF-style: chr9-133364800-C-A.
Other names: c.919C>A, p.Arg307Ser (NM_000050.4); short protein forms R307S.
Identifiers: ClinVar variation 1495594 (VCV001495594.9), dbSNP rs183276875, ClinGen allele CA375230644.

ClinVar aggregate classification (germline): Pathogenic/Likely pathogenic. Review status: criteria provided, multiple submitters, no conflicts (2 of 4 stars). 2 submissions from 2 submitters: Pathogenic (1); Likely pathogenic (1). Last evaluated 2025-07-21.

Conditions:
Citrullinemia. Identifiers: Orphanet 187, MedGen C0175683, MONDO:0015991.

Submissions (2):

Women's Health and Genetics/Laboratory Corporation of America, LabCorp
Classification: Likely pathogenic for Citrullinemia. Last evaluated: 2025-07-21. Review status: criteria provided, single submitter. Criteria: LabCorp Variant Classification Summary - May 2015. Collection method: clinical testing. Allele origin: germline.
Comment: Variant summary: ASS1 c.919C>A (p.Arg307Ser) results in a non-conservative amino acid change located in the argininosuccinate synthase domain (IPR023434) of the encoded protein sequence. Algorithms developed to predict the effect of missense changes on protein structure and function all suggest that this variant is likely to be disruptive. The variant was absent in 251432 control chromosomes. c.919C>A has been reported in at least an individual affected with Citrullinemia type I where it was seen in trans with a pathogenic variant (internal testing). Additionally, another missense affecting the same codon (c.919C>T, p.Arg307Cys) has been observed in individuals with Citrullinemia. To our knowledge, no experimental evidence demonstrating an impact on protein function has been reported. ClinVar contains an entry for this variant (Variation ID: 1495594). Based on the evidence outlined above, the variant was classified as likely pathogenic.

Labcorp Genetics (formerly Invitae), Labcorp
Classification: Pathogenic for Citrullinemia. Last evaluated: 2022-01-17. Review status: criteria provided, single submitter. Criteria: Invitae Variant Classification Sherloc (09022015). Collection method: clinical testing. Allele origin: germline.
Comment: Algorithms developed to predict the effect of sequence changes on RNA splicing suggest that this variant may create or strengthen a splice site. For these reasons, this variant has been classified as Pathogenic. This variant disrupts the p.Arg307 amino acid residue in ASS1. Other variant(s) that disrupt this residue have been determined to be pathogenic (PMID: 14680976; Invitae). This suggests that this residue is clinically significant, and that variants that disrupt this residue are likely to be disease-causing. Algorithms developed to predict the effect of missense changes on protein structure and function are either unavailable or do not agree on the potential impact of this missense change (SIFT: "Tolerated"; PolyPhen-2: "Possibly Damaging"; Align-GVGD: "Class C0"). This missense change has been observed in individual(s) with citrullinemia type I (Invitae). In at least one individual the data is consistent with being in trans (on the opposite chromosome) from a pathogenic variant. This variant is not present in population databases (gnomAD no frequency). This sequence change replaces arginine, which is basic and polar, with serine, which is neutral and polar, at codon 307 of the ASS1 protein (p.Arg307Ser).

Literature cited by the submitters: PubMed 14680976 (cited by Labcorp Genetics (formerly Invitae), Labcorp).